The following is an entry in ClinVar:

ClinVar aggregate classification (germline): Likely pathogenic. Review status: criteria provided, single submitter (1 of 4 stars). 2 submissions from 2 submitters: Likely pathogenic (1). 1 of the submissions does not count toward it. Last evaluated 2023-02-01.

Conditions:
Autosomal recessive ataxia due to ubiquinone deficiency. Also called: SPINOCEREBELLAR ATAXIA, AUTOSOMAL RECESSIVE 9; Coenzyme Q10 deficiency, primary, 4. Identifiers: Orphanet 139485, MedGen C2677589, MONDO:0012784, OMIM 612016.

Allele frequency attached by ClinVar (database versions not stated): TOPMed below 0.00001.

Submissions (2):

CeGaT Center for Human Genetics Tuebingen
Classification: Likely pathogenic. Last evaluated: 2023-02-01. Review status: criteria provided, single submitter. Criteria: CeGaT Center For Human Genetics Tuebingen Variant Classification Criteria Version 2. Collection method: clinical testing. Allele origin: germline. Affected: yes. Observed: 1 variant allele.
Comment: COQ8A: PM1, PM2, PM3:Supporting, PP1

Solve-RD Consortium
Classification: Likely pathogenic for Autosomal recessive ataxia due to ubiquinone deficiency. Last evaluated: 2022-06-01. Review status: no assertion criteria provided. Collection method: provider interpretation. Allele origin: inherited. Affected: yes. Not counted in ClinVar's aggregate classification.
Comment: Variant confirmed as disease-causing by referring clinical team

Variant identified during reanalysis of unsolved cases by the Solve-RD project. The Solve-RD project has received funding from the European Union’s Horizon 2020 research and innovation programme under grant agreement No 779257.

Literature cited by the submitters: PubMed 39825153 (cited by Solve-RD Consortium).

NM_020247.5(COQ8A):c.802T>C (p.Cys268Arg)

Gene: COQ8A (coenzyme Q8A; plus strand). Cytogenetic location: 1q42.13.
Variant type: single nucleotide variant.
Coding change: c.802T>C on transcript NM_020247.5 (MANE Select); coding-DNA position 802, T replaced by C.
Protein change: p.Cys268Arg; replaces cysteine 268 with arginine.
Molecular consequence: missense variant.
Genome position (GRCh38, 1-based): chr1:226,982,098, T>C. VCF-style: chr1-226982098-T-C. GRCh37 (hg19) VCF-style: chr1-227169799-T-C.
Other names: short protein forms C268R.
Identifiers: ClinVar variation 2498448 (VCV002498448.29), dbSNP rs1659734330, ClinGen allele CA345052053.